The following is an entry in ClinVar:

ClinVar aggregate classification (germline): Uncertain significance (1 of 4 stars; one submission).

Submission:

Ambry Genetics
Classification: Uncertain significance. Last evaluated: 2025-08-28. Review status: criteria provided, single submitter. Criteria: Ambry Variant Classification Scheme 2023. Collection method: clinical testing. Allele origin: germline.
Comment: The p.A348V variant (also known as c.1043C>T), located in coding exon 6 of the MYOM1 gene, results from a C to T substitution at nucleotide position 1043. The alanine at codon 348 is replaced by valine, an amino acid with similar properties. This amino acid position is conserved. In addition, this alteration is predicted to be deleterious by in silico analysis. Based on the available evidence, the clinical significance of this variant remains unclear.

NM_003803.4(MYOM1):c.1043C>T (p.Ala348Val)

Gene: MYOM1 (myomesin 1; minus strand). Cytogenetic location: 18p11.31.
Variant type: single nucleotide variant.
Coding change: c.1043C>T on transcript NM_003803.4 (MANE Select); coding-DNA position 1043, C replaced by T.
Protein change: p.Ala348Val; replaces alanine 348 with valine.
Molecular consequence: missense variant.
Genome position (GRCh38, 1-based): chr18:3,174,188, G>A on the plus strand (C>T on the coding strand, the complement: MYOM1 is on the minus strand). VCF-style: chr18-3174188-G-A. GRCh37 (hg19) VCF-style: chr18-3174186-G-A.
Other names: c.1043C>T, p.Ala348Val (NM_019856.2); short protein forms A348V.
Identifiers: ClinVar variation 4115985 (VCV004115985.1).